The following is an entry in ClinVar:

ClinVar aggregate classification (germline): Uncertain significance (1 of 4 stars; one submission).

Conditions:
MHC class II deficiency. Also called: Bare lymphocyte syndrome 2; BLS, TYPE II. Identifiers: Orphanet 572, MedGen C5447452, MONDO:0008855.

gnomAD v4.1: 1 of 1,524,446 alleles (0.000066%); highest among the groups gnomAD compares: Non-Finnish European, 0.000088%; no homozygotes.

Submission:

Labcorp Genetics (formerly Invitae), Labcorp
Classification: Uncertain significance for Bare lymphocyte syndrome 2. Last evaluated: 2019-02-15. Review status: criteria provided, single submitter. Criteria: Invitae Variant Classification Sherloc (09022015). Collection method: clinical testing. Allele origin: germline.
Comment: This sequence change affects codon 68 of the RFXAP mRNA. It is a 'silent' change, meaning that it does not change the encoded amino acid sequence of the RFXAP protein. The frequency data for this variant in the population databases is considered unreliable, as metrics indicate insufficient coverage at this position in the ExAC database. This variant has not been reported in the literature in individuals with RFXAP-related conditions. Algorithms developed to predict the effect of sequence changes on RNA splicing suggest that this variant may create or strengthen a splice site, but this prediction has not been confirmed by published transcriptional studies. In summary, the available evidence is currently insufficient to determine the role of this variant in disease. Therefore, it has been classified as a Variant of Uncertain Significance.

NM_000538.4(RFXAP):c.204C>T (p.Gly68=)

Gene: RFXAP (regulatory factor X associated protein; plus strand). Cytogenetic location: 13q13.3.
Variant type: single nucleotide variant.
Coding change: c.204C>T on transcript NM_000538.4 (MANE Select); coding-DNA position 204, C replaced by T.
Protein change: p.Gly68=; no amino-acid change (glycine 68 retained).
Molecular consequence: synonymous variant.
Genome position (GRCh38, 1-based): chr13:36,819,561, C>T. VCF-style: chr13-36819561-C-T. GRCh37 (hg19) VCF-style: chr13-37393698-C-T.
Identifiers: ClinVar variation 857204 (VCV000857204.1), dbSNP rs2057954653, ClinGen allele CA483424918.